The following is an entry in ClinVar:

NM_004380.3(CREBBP):c.4254C>T (p.Gly1418=)

Gene: CREBBP (CREB binding lysine acetyltransferase; minus strand). Cytogenetic location: 16p13.3.
Variant type: single nucleotide variant.
Coding change: c.4254C>T on transcript NM_004380.3 (MANE Select); coding-DNA position 4254, C replaced by T.
Protein change: p.Gly1418=; no amino-acid change (glycine 1418 retained).
Molecular consequence: synonymous variant.
Genome position (GRCh38, 1-based): chr16:3,739,604, G>A on the plus strand (C>T on the coding strand, the complement: CREBBP is on the minus strand). VCF-style: chr16-3739604-G-A. GRCh37 (hg19) VCF-style: chr16-3789605-G-A.
Other names: c.4140C>T, p.Gly1380= (NM_001079846.1).
Identifiers: ClinVar variation 4978729 (VCV004978729.1).

ClinVar aggregate classification (germline): Likely benign (1 of 4 stars; one submission).

Conditions:
CREBBP-related disorder. Also called: CREBBP-related disorders; CREBBP-related condition.

gnomAD v4.1: 1 of 1,614,078 alleles (0.000062%); highest among the groups gnomAD compares: Admixed American, 0.0017%; no homozygotes.

Submission:

PreventionGenetics, part of Exact Sciences
Classification: Likely benign for CREBBP-related condition. Last evaluated: 2025-12-16. Review status: criteria provided, single submitter. Criteria: ACMG Guidelines, 2015. Collection method: clinical testing. Allele origin: germline.
Comment: This variant is classified as likely benign based on ACMG/AMP sequence variant interpretation guidelines (Richards et al. 2015 PMID: 25741868, with internal and published modifications).